The following is an entry in ClinVar:

ClinVar aggregate classification (germline): Likely pathogenic. Review status: criteria provided, multiple submitters, no conflicts (2 of 4 stars). 2 submissions from 2 submitters: Likely pathogenic (2). Last evaluated 2024-12-18.

Conditions:
Congenital microcephaly - severe encephalopathy - progressive cerebral atrophy syndrome. Also called: ASNS DEFICIENCY; Asparagine synthetase deficiency. Identifiers: Orphanet 391376, MedGen C3809971, MONDO:0014258, OMIM 615574.

Allele frequency attached by ClinVar (database versions not stated): gnomAD exomes below 0.00001; ExAC 0.00001; gnomAD 0.00001; TOPMed 0.00003.
gnomAD v4.1: 1 of 1,612,240 alleles (0.000062%); highest among the groups gnomAD compares: African/African-American, 0.0013%; no homozygotes.

Submissions (2):

Natera, Inc.
Classification: Likely pathogenic for Asparagine synthetase deficiency. Last evaluated: 2024-12-18. Review status: criteria provided, single submitter. Criteria: Natera Variant Classification Schema (03/2026). Collection method: clinical testing. Allele origin: germline.
Comment: The c.250-1G>A variant in ASNS is a canonical splice acceptor site variant predicted to affect pre-mRNA splicing, which may result in an abnormal transcript and altered protein product. This variant is expected to result in nonsense mediated decay, truncation, or a dysfunctional protein product. This variant is rare in the general population with a frequency below the threshold expected for the associated phenotype(s). Given the available evidence, this variant is classified as Likely Pathogenic.

Labcorp Genetics (formerly Invitae), Labcorp
Classification: Likely pathogenic. Last evaluated: 2024-11-12. Review status: criteria provided, single submitter. Criteria: Invitae Variant Classification Sherloc (09022015). Collection method: clinical testing. Allele origin: germline.
Comment: This sequence change affects an acceptor splice site in intron 3 of the ASNS gene. It is expected to disrupt RNA splicing. Variants that disrupt the donor or acceptor splice site typically lead to a loss of protein function (PMID: 16199547), and loss-of-function variants in ASNS are known to be pathogenic (PMID: 27422383, 30057589). The frequency data for this variant in the population databases is considered unreliable, as metrics indicate poor data quality at this position in the gnomAD database. This variant has not been reported in the literature in individuals affected with ASNS-related conditions. ClinVar contains an entry for this variant (Variation ID: 836674). Algorithms developed to predict the effect of sequence changes on RNA splicing suggest that this variant may disrupt the consensus splice site. In summary, the currently available evidence indicates that the variant is pathogenic, but additional data are needed to prove that conclusively. Therefore, this variant has been classified as Likely Pathogenic.

Literature cited by the submitters: PubMed 16199547 (cited by Labcorp Genetics (formerly Invitae), Labcorp); PubMed 27422383 (cited by Labcorp Genetics (formerly Invitae), Labcorp); PubMed 30057589 (cited by Labcorp Genetics (formerly Invitae), Labcorp).

NM_001673.5(ASNS):c.250-1G>A

Genes: ASNS (asparagine synthetase (glutamine-hydrolyzing); minus strand), CZ1P-ASNS (CZ1P-ASNS readthrough; minus strand). Cytogenetic location: 7q21.3.
Variant type: single nucleotide variant.
Coding change: c.250-1G>A on transcript NM_001673.5 (MANE Select); the canonical splice acceptor site of the intron before coding-DNA position 250, G replaced by A.
Molecular consequence: splice acceptor variant.
Genome position (GRCh38, 1-based): chr7:97,864,497, C>T on the plus strand (G>A on the coding strand, the complement: ASNS is on the minus strand). VCF-style: chr7-97864497-C-T. GRCh37 (hg19) VCF-style: chr7-97493809-C-T.
Other names: c.250-1G>A (NM_001352496.2, NM_183356.4, NM_133436.3); c.1-1G>A (NM_001178076.2, NM_001178077.1); c.187-1G>A (NM_001178075.2).
Identifiers: ClinVar variation 836674 (VCV000836674.10), dbSNP rs746511283, ClinGen allele CA4354803.
Genomic context (GRCh38, chr7:97,864,497, plus strand): 5'-ATGAAGGATTATCTCACCATCCACTTTGGTCTGGTATTCAAATTCAAAATGCTGTTGCAT[C>T]TTAGGAAGCGAAAGCAAAACCAAAATGTTAGACTCCTTGTACATTCACTAATAATTTTTT-3'